The following is an entry in ClinVar:

ClinVar aggregate classification (germline): Uncertain significance. Review status: criteria provided, multiple submitters, no conflicts (2 of 4 stars). 2 submissions from 2 submitters: Uncertain significance (2). Last evaluated 2023-12-07.

Conditions:
Pyruvate dehydrogenase E1-alpha deficiency (PDHAD). Also called: Ataxia, intermittent, with pyruvate dehydrogenase, or decarboxylase, deficiency; ATAXIA, INTERMITTENT, WITH PYRUVATE DEHYDROGENASE DEFICIENCY; ATAXIA WITH LACTIC ACIDOSIS I; ATAXIA, INTERMITTENT, WITH ABNORMAL PYRUVATE METABOLISM. Identifiers: Orphanet 79243, MedGen C1839413, MONDO:0010717, OMIM 312170.

Submissions (2):

GeneDx
Classification: Uncertain significance. Last evaluated: 2023-12-07. Review status: criteria provided, single submitter. Criteria: GeneDx Variant Classification Process June 2021. Collection method: clinical testing. Allele origin: germline. Affected: yes.
Comment: Not observed at significant frequency in large population cohorts (gnomAD); In silico analysis supports that this missense variant does not alter protein structure/function; Has not been previously published as pathogenic or benign to our knowledge

Labcorp Genetics (formerly Invitae), Labcorp
Classification: Uncertain significance for Pyruvate dehydrogenase E1-alpha deficiency. Last evaluated: 2023-08-02. Review status: criteria provided, single submitter. Criteria: Invitae Variant Classification Sherloc (09022015). Collection method: clinical testing. Allele origin: germline.
Comment: In summary, the available evidence is currently insufficient to determine the role of this variant in disease. Therefore, it has been classified as a Variant of Uncertain Significance. This sequence change replaces serine, which is neutral and polar, with phenylalanine, which is neutral and non-polar, at codon 16 of the PDHA1 protein (p.Ser16Phe). This variant is not present in population databases (gnomAD no frequency). This variant has not been reported in the literature in individuals affected with PDHA1-related conditions. Advanced modeling of protein sequence and biophysical properties (such as structural, functional, and spatial information, amino acid conservation, physicochemical variation, residue mobility, and thermodynamic stability) has been performed at Invitae for this missense variant, however the output from this modeling did not meet the statistical confidence thresholds required to predict the impact of this variant on PDHA1 protein function.

NM_000284.4(PDHA1):c.47C>T (p.Ser16Phe)

Gene: PDHA1 (pyruvate dehydrogenase E1 subunit alpha 1; plus strand). Cytogenetic location: Xp22.12.
Variant type: single nucleotide variant.
Coding change: c.47C>T on transcript NM_000284.4 (MANE Select); coding-DNA position 47, C replaced by T.
Protein change: p.Ser16Phe; replaces serine 16 with phenylalanine.
Molecular consequence: missense variant.
Genome position (GRCh38, 1-based): chrX:19,344,084, C>T. VCF-style: chrX-19344084-C-T. GRCh37 (hg19) VCF-style: chrX-19362202-C-T.
Other names: c.47C>T, p.Ser16Phe (NM_001173454.2, NM_001173455.2, NM_001173456.2); c.47C>T (NM_000284.3); short protein forms S16F.
Identifiers: ClinVar variation 2822006 (VCV002822006.4), dbSNP rs2519332689, ClinGen allele CA412386499.